The following is an entry in ClinVar:

NM_001367624.2(ZNF469):c.5251A>G (p.Lys1751Glu)

Gene: ZNF469 (zinc finger protein 469; plus strand). Cytogenetic location: 16q24.2.
Variant type: single nucleotide variant.
Coding change: c.5251A>G on transcript NM_001367624.2 (MANE Select); coding-DNA position 5251, A replaced by G.
Protein change: p.Lys1751Glu; replaces lysine 1751 with glutamic acid.
Molecular consequence: missense variant.
Genome position (GRCh38, 1-based): chr16:88,432,721, A>G. VCF-style: chr16-88432721-A-G. GRCh37 (hg19) VCF-style: chr16-88499129-A-G.
Other names: NM_001127464.1:c.5167A>G; NM_001127464.2:c.5167A>G; short protein forms K1751E.
Identifiers: ClinVar variation 2564249 (VCV002564249.3), dbSNP rs1288958811, ClinGen allele CA397096265.

ClinVar aggregate classification (germline): Uncertain significance. Review status: criteria provided, multiple submitters, no conflicts (2 of 4 stars). 2 submissions from 2 submitters: Uncertain significance (2). Last evaluated 2026-08-29.

Conditions:
Cardiovascular phenotype. Identifiers: MedGen CN230736.
ZNF469-related disorder. Also called: ZNF469-related condition.

Allele frequency attached by ClinVar (database versions not stated): gnomAD exomes below 0.00001.
gnomAD v4.1: 5 of 1,550,394 alleles (0.00032%); highest among the groups gnomAD compares: Non-Finnish European, 0.00044%; no homozygotes.

Submissions (2):

PreventionGenetics, part of Exact Sciences
Classification: Uncertain significance for ZNF469-related condition. Last evaluated: 2026-08-29. Review status: criteria provided, single submitter. Criteria: ACMG Guidelines, 2015. Collection method: clinical testing. Allele origin: germline.
Comment: The ZNF469 c.5167A>G variant is predicted to result in the amino acid substitution p.Lys1723Glu. To our knowledge, this variant has not been reported in the literature. This variant is reported in 0.0017% of alleles in individuals of European (Non-Finnish) descent in gnomAD. At this time, the clinical significance of this variant is uncertain due to the absence of conclusive functional and genetic evidence.

Ambry Genetics
Classification: Uncertain significance for Cardiovascular phenotype. Last evaluated: 2023-05-12. Review status: criteria provided, single submitter. Criteria: Ambry Variant Classification Scheme 2023. Collection method: clinical testing. Allele origin: germline.
Comment: The p.K1723E variant (also known as c.5167A>G), located in coding exon 2 of the ZNF469 gene, results from an A to G substitution at nucleotide position 5167. The lysine at codon 1723 is replaced by glutamic acid, an amino acid with similar properties. This amino acid position is conserved. In addition, this alteration is predicted to be tolerated by in silico analysis. Since supporting evidence is limited at this time, the clinical significance of this alteration remains unclear.